The following is an entry in ClinVar:

ClinVar aggregate classification (germline): Likely benign. Review status: criteria provided, single submitter (1 of 4 stars). 3 submissions from 3 submitters: Likely benign (1). 2 of the submissions do not count toward it. Last evaluated 2020-01-03.

Conditions:
CIC-related disorder. Also called: CIC-related condition.

Allele frequency attached by ClinVar (database versions not stated): gnomAD exomes 0.00007 and 0.00012; ExAC 0.00018; ESP Exome Variant Server 0.00031; gnomAD 0.00054 and 0.00057; TOPMed 0.00056; 1000 Genomes Project 30x 0.00094; 1000 Genomes Project 0.00100.
gnomAD v4.1: 185 of 1,613,080 alleles (0.011%); highest among the groups gnomAD compares: African/African-American, 0.22%; no homozygotes.

Submissions (3):

Laboratorio de Genetica e Diagnostico Molecular, Hospital Israelita Albert Einstein
Classification: Likely benign. Last evaluated: 2020-01-03. Review status: criteria provided, single submitter. Criteria: ACMG Guidelines, 2015. Collection method: clinical testing. Allele origin: germline. Affected: yes.
Comment: ACMG classification criteria: BS1, BP4

PreventionGenetics, part of Exact Sciences
Classification: Likely benign for CIC-related condition. Last evaluated: 2022-06-13. Review status: no assertion criteria provided. Collection method: clinical testing. Allele origin: germline. Not counted in ClinVar's aggregate classification.
Comment: This variant is classified as likely benign based on ACMG/AMP sequence variant interpretation guidelines (Richards et al. 2015 PMID: 25741868, with internal and published modifications).

ITMI
No classification provided. Condition: AllHighlyPenetrant. Last evaluated: 2013-09-19. Review status: no classification provided. Collection method: reference population. Allele origin: germline. Not counted in ClinVar's aggregate classification.
Comment: Please see associated publication for description of ethnicities

Literature cited by the submitters: PubMed 24728327 (cited by ITMI).

NM_001386298.1(CIC):c.5404C>T (p.Pro1802Ser)

Gene: CIC (capicua transcriptional repressor; plus strand). Cytogenetic location: 19q13.2.
Variant type: single nucleotide variant.
Coding change: c.5404C>T on transcript NM_001386298.1 (MANE Select); coding-DNA position 5404, C replaced by T.
Protein change: p.Pro1802Ser; replaces proline 1802 with serine.
Molecular consequence: missense variant.
Genome position (GRCh38, 1-based): chr19:42,291,445, C>T. VCF-style: chr19-42291445-C-T. GRCh37 (hg19) VCF-style: chr19-42795597-C-T.
Other names: c.5404C>T, p.Pro1802Ser (NM_001304815.2, NM_001379480.1, NM_001379482.1); c.2677C>T, p.Pro893Ser (NM_001379484.1, NM_001379485.1, NM_015125.5); c.2677C>T (NM_015125.4); short protein forms P893S, P1802S.
Identifiers: ClinVar variation 133900 (VCV000133900.5), dbSNP rs142397024, ClinGen allele CA158118.